The following is an entry in ClinVar:

ClinVar aggregate classification (germline): Uncertain significance. Review status: reviewed by expert panel (3 of 4 stars). 2 submissions from 2 submitters: Uncertain significance (1). 1 of the submissions does not count toward it. Last evaluated 2025-08-01.

Conditions:
Malignant hyperthermia, susceptibility to, 1 (MHS1). Also called: RYR1-Related Malignant Hyperthermia Susceptibility; Malignant hyperthermia suceptibility 1; Anesthesia related hyperthermia; Malignant hyperpyrexia; Fulminating hyperpyrexia; Pharmacogenic myopathy. Identifiers: Orphanet 423, MedGen C2930980, MONDO:0007783, OMIM 145600.

Submissions (2):

ClinGen Malignant Hyperthermia Susceptibility Variant Curation Expert Panel, ClinGen
Classification: Uncertain significance for Malignant hyperthermia, susceptibility to, 1. Last evaluated: 2025-08-01. Review status: reviewed by expert panel. Criteria: ClinGen MHS ACMG Specifications V2. Collection method: curation. Allele origin: germline. Inheritance: Autosomal dominant inheritance.
Comment: This pathogenicity assessment is relevant only for malignant hyperthermia susceptibility (MHS) inherited in an autosomal dominant pattern. Variants in RYR1 can also cause other myopathies inherited in an autosomal dominant pattern or in an autosomal recessive pattern. Some of these disorders may predispose individuals to malignant hyperthermia. RYR1 variants may also contribute to a malignant hyperthermia reaction in combination with other genetic and non-genetic factors and the clinician needs to consider such factors in making management decisions. This sequence variant predicts a substitution of glutamine with histidine at codon 474 of the RYR1 protein, p.Gln474His. This variant was not present in a large population database (gnomAD) at the time this variant was interpreted. This variant has been reported in an individual with a personal or family history of an MH episode without a positive in vitro contracture test (IVCT) or caffeine halothane contracture test (CHCT) result (PMID:16732084). No functional studies were identified for this variant. This variant resides in a region of RYR1 considered to be a hotspot for pathogenic variants that contribute to MHS, PM1 (PMID: 21118704). A REVEL score of 0.835 supports neither a pathogenic nor a benign status for this variant. This variant has been classified as a Variant of Unknown Significance. Criteria implemented: PM1.

RYR1 database
No classification provided. Review status: no classification provided. Collection method: not provided. Allele origin: unknown. Not counted in ClinVar's aggregate classification.

NM_000540.3(RYR1):c.1422G>T (p.Gln474His)

Gene: RYR1 (ryanodine receptor 1; plus strand). Cytogenetic location: 19q13.2.
Variant type: single nucleotide variant.
Coding change: c.1422G>T on transcript NM_000540.3 (MANE Select); coding-DNA position 1422, G replaced by T.
Protein change: p.Gln474His; replaces glutamine 474 with histidine.
Molecular consequence: missense variant.
Genome position (GRCh38, 1-based): chr19:38,452,996, G>T. VCF-style: chr19-38452996-G-T. GRCh37 (hg19) VCF-style: chr19-38943636-G-T.
Other names: c.1422G>T (NM_000540.2); c.1422G>T, p.Gln474His (NM_001042723.2); short protein forms Q474H.
Identifiers: ClinVar variation 133063 (VCV000133063.4), dbSNP rs193922767, ClinGen allele CA024122.